The following is an entry in ClinVar:

NM_182914.3(SYNE2):c.7974A>C (p.Glu2658Asp)

Gene: SYNE2 (spectrin repeat containing nuclear envelope protein 2; plus strand). Cytogenetic location: 14q23.2.
Variant type: single nucleotide variant.
Coding change: c.7974A>C on transcript NM_182914.3 (MANE Select); coding-DNA position 7974, A replaced by C.
Protein change: p.Glu2658Asp; replaces glutamic acid 2658 with aspartic acid.
Molecular consequence: missense variant.
Genome position (GRCh38, 1-based): chr14:64,051,887, A>C. VCF-style: chr14-64051887-A-C. GRCh37 (hg19) VCF-style: chr14-64518605-A-C.
Other names: c.7974A>C, p.Glu2658Asp (NM_015180.6); short protein forms E2658D.
Identifiers: ClinVar variation 843224 (VCV000843224.9), dbSNP rs2097230167, ClinGen allele CA389963387.

ClinVar aggregate classification (germline): Uncertain significance (1 of 4 stars; one submission).

Conditions:
Emery-Dreifuss muscular dystrophy 5, autosomal dominant (EDMD5). Also called: EMERY-DREIFUSS MUSCULAR DYSTROPHY 5. Identifiers: Orphanet 261, MedGen C2751805, MONDO:0013072, OMIM 612999.

Submission:

Labcorp Genetics (formerly Invitae), Labcorp
Classification: Uncertain significance for Emery-Dreifuss muscular dystrophy 5, autosomal dominant. Last evaluated: 2019-11-26. Review status: criteria provided, single submitter. Criteria: Invitae Variant Classification Sherloc (09022015). Collection method: clinical testing. Allele origin: germline.
Comment: This sequence change replaces glutamic acid with aspartic acid at codon 2658 of the SYNE2 protein (p.Glu2658Asp). The glutamic acid residue is weakly conserved and there is a small physicochemical difference between glutamic acid and aspartic acid. In summary, the available evidence is currently insufficient to determine the role of this variant in disease. Therefore, it has been classified as a Variant of Uncertain Significance. Algorithms developed to predict the effect of missense changes on protein structure and function output the following: SIFT: "Tolerated"; PolyPhen-2: "Benign"; Align-GVGD: "Class C0". The aspartic acid amino acid residue is found in multiple mammalian species, suggesting that this missense change does not adversely affect protein function. These predictions have not been confirmed by published functional studies and their clinical significance is uncertain. This variant has not been reported in the literature in individuals with SYNE2-related conditions. This variant is not present in population databases (ExAC no frequency).